The following is an entry in ClinVar:

NM_000179.3(MSH6):c.2543C>T (p.Thr848Ile)

Gene: MSH6 (mutS homolog 6; plus strand). Cytogenetic location: 2p16.3.
Variant type: single nucleotide variant.
Coding change: c.2543C>T on transcript NM_000179.3 (MANE Select); coding-DNA position 2543, C replaced by T.
Protein change: p.Thr848Ile; replaces threonine 848 with isoleucine.
Molecular consequence: missense variant. On other transcripts: non-coding transcript variant (5), intron variant (3).
Genome position (GRCh38, 1-based): chr2:47,800,526, C>T. VCF-style: chr2-47800526-C-T. GRCh37 (hg19) VCF-style: chr2-48027665-C-T.
Other names: c.2153C>T, p.Thr718Ile (NM_001281492.2); c.1637C>T, p.Thr546Ile (NM_001281493.2, NM_001281494.2, NM_001406811.1 and 6 more transcripts); c.2639C>T, p.Thr880Ile (NM_001406795.1, NM_001406802.1); c.2543C>T, p.Thr848Ile (NM_001406796.1, NM_001406798.1, NM_001406800.1 and 2 more transcripts); c.2246C>T, p.Thr749Ile (NM_001406797.1, NM_001406801.1, NM_001406805.1 and 10 more transcripts); c.2018C>T, p.Thr673Ile (NM_001406799.1, NM_001406806.1, NM_001406807.1); c.2465C>T, p.Thr822Ile (NM_001406804.1); c.2549C>T, p.Thr850Ile (NM_001406813.1); and 4 more; short protein forms T792I, T848I, T880I, T546I, T673I, T718I, T822I, T850I.
Identifiers: ClinVar variation 2779508 (VCV002779508.4), dbSNP rs1407456778, ClinGen allele CA346754542.

ClinVar aggregate classification (germline): Conflicting classifications of pathogenicity. Review status: criteria provided, conflicting classifications (1 of 4 stars). 2 submissions from 2 submitters: Uncertain significance (1); Likely benign (1). Last evaluated 2025-12-09.

Conditions:
Hereditary nonpolyposis colorectal neoplasms. Identifiers: MedGen C0009405, MeSH D003123.
Hereditary cancer-predisposing syndrome. Also called: Neoplastic Syndromes, Hereditary; Tumor predisposition; Hereditary Cancer Syndrome; Hereditary neoplastic syndrome. Identifiers: Orphanet 140162, MedGen C0027672, MeSH D009386, MONDO:0015356.

Submissions (2):

Ambry Genetics
Classification: Uncertain significance for Hereditary cancer-predisposing syndrome. Last evaluated: 2025-12-09. Review status: criteria provided, single submitter. Criteria: Ambry Variant Classification Scheme 2023. Collection method: clinical testing. Allele origin: germline.
Comment: The p.T848I variant (also known as c.2543C>T), located in coding exon 4 of the MSH6 gene, results from a C to T substitution at nucleotide position 2543. The threonine at codon 848 is replaced by isoleucine, an amino acid with similar properties. This amino acid position is conserved. In addition, this alteration is predicted to be tolerated by in silico analysis. Based on the available evidence, the clinical significance of this variant remains unclear.

Labcorp Genetics (formerly Invitae), Labcorp
Classification: Likely benign for Hereditary nonpolyposis colorectal neoplasms. Last evaluated: 2025-11-18. Review status: criteria provided, single submitter. Criteria: Invitae Variant Classification Sherloc (09022015). Collection method: clinical testing. Allele origin: germline.